The following is an entry in ClinVar:

NM_001287.6(CLCN7):c.2140G>A (p.Ala714Thr)

Gene: CLCN7 (chloride voltage-gated channel 7; minus strand). Cytogenetic location: 16p13.3.
Variant type: single nucleotide variant.
Coding change: c.2140G>A on transcript NM_001287.6 (MANE Select); coding-DNA position 2140, G replaced by A.
Protein change: p.Ala714Thr; replaces alanine 714 with threonine.
Molecular consequence: missense variant.
Genome position (GRCh38, 1-based): chr16:1,447,502, C>T on the plus strand (G>A on the coding strand, the complement: CLCN7 is on the minus strand). VCF-style: chr16-1447502-C-T. GRCh37 (hg19) VCF-style: chr16-1497503-C-T.
Other names: c.2068G>A, p.Ala690Thr (NM_001114331.3); c.2140G>A (NM_001287.4); short protein forms A690T, A714T.
Identifiers: ClinVar variation 1429924 (VCV001429924.9), dbSNP rs767382071, ClinGen allele CA7809906.

ClinVar aggregate classification (germline): Uncertain significance. Review status: criteria provided, multiple submitters, no conflicts (2 of 4 stars). 2 submissions from 2 submitters: Uncertain significance (2). Last evaluated 2022-12-15.

Conditions:
Inborn genetic diseases. Identifiers: MedGen C0950123, MeSH D030342.

Allele frequency attached by ClinVar (database versions not stated): gnomAD 0.00001; gnomAD exomes 0.00001; TOPMed 0.00001.
gnomAD v4.1: 16 of 1,554,088 alleles (0.001%); highest among the groups gnomAD compares: Admixed American, 0.0019%; no homozygotes.

Submissions (2):

Labcorp Genetics (formerly Invitae), Labcorp
Classification: Uncertain significance. Last evaluated: 2022-12-15. Review status: criteria provided, single submitter. Criteria: Invitae Variant Classification Sherloc (09022015). Collection method: clinical testing. Allele origin: germline.
Comment: This sequence change replaces alanine, which is neutral and non-polar, with threonine, which is neutral and polar, at codon 714 of the CLCN7 protein (p.Ala714Thr). The frequency data for this variant in the population databases is considered unreliable, as metrics indicate poor data quality at this position in the gnomAD database. This variant has not been reported in the literature in individuals affected with CLCN7-related conditions. ClinVar contains an entry for this variant (Variation ID: 1429924). Advanced modeling of protein sequence and biophysical properties (such as structural, functional, and spatial information, amino acid conservation, physicochemical variation, residue mobility, and thermodynamic stability) performed at Invitae indicates that this missense variant is not expected to disrupt CLCN7 protein function. In summary, the available evidence is currently insufficient to determine the role of this variant in disease. Therefore, it has been classified as a Variant of Uncertain Significance.

Ambry Genetics
Classification: Uncertain significance for Inborn genetic diseases. Last evaluated: 2021-10-26. Review status: criteria provided, single submitter. Criteria: Ambry Variant Classification Scheme 2023. Collection method: clinical testing. Allele origin: germline.